The following is an entry in ClinVar:

ClinVar aggregate classification (germline): Conflicting classifications of pathogenicity. Review status: criteria provided, conflicting classifications (1 of 4 stars). 3 submissions from 3 submitters: Uncertain significance (2); Likely benign (1). Last evaluated 2026-08-13.

Conditions:
Cardiovascular phenotype. Identifiers: MedGen CN230736.
Arrhythmogenic cardiomyopathy with wooly hair and keratoderma. Also called: Arrhythmogenic cardiomyopathy with woolly hair and keratoderma; Carvajal syndrome; Dilated cardiomyopathy with woolly hair and keratoderma; PALMOPLANTAR KERATODERMA WITH LEFT VENTRICULAR CARDIOMYOPATHY AND WOOLLY HAIR. Identifiers: Orphanet 65282, MedGen C1854063, MONDO:0011581, OMIM 605676.
Arrhythmogenic right ventricular dysplasia 8 (ARVD8). Also called: Arrhythmogenic Right Ventricular Dysplasia/Cardiomyopathy 8; ARRHYTHMOGENIC RIGHT VENTRICULAR DYSPLASIA, FAMILIAL, 8; ARRHYTHMOGENIC RIGHT VENTRICULAR CARDIOMYOPATHY 8. Identifiers: MedGen C1843896, MONDO:0011831, OMIM 607450.

gnomAD v4.1: 5 of 1,613,870 alleles (0.00031%); highest among the groups gnomAD compares: Admixed American, 0.0033%; no homozygotes.

Submissions (3):

Ambry Genetics
Classification: Uncertain significance for Cardiovascular phenotype. Last evaluated: 2026-08-13. Review status: criteria provided, single submitter. Criteria: Ambry Variant Classification Scheme 2023. Collection method: clinical testing. Allele origin: germline.

Labcorp Genetics (formerly Invitae), Labcorp
Classification: Likely benign for Arrhythmogenic cardiomyopathy with wooly hair and keratoderma; Arrhythmogenic right ventricular dysplasia 8. Last evaluated: 2024-10-05. Review status: criteria provided, single submitter. Criteria: Invitae Variant Classification Sherloc (09022015). Collection method: clinical testing. Allele origin: germline.

All of Us Research Program, National Institutes of Health
Classification: Uncertain significance for Arrhythmogenic cardiomyopathy with wooly hair and keratoderma. Last evaluated: 2024-03-05. Review status: criteria provided, single submitter. Criteria: ACMG Guidelines, 2015. Collection method: clinical testing. Allele origin: germline. Inheritance: Autosomal dominant inheritance. Observed: 4 variant alleles, 4 heterozygotes.
Comment: This missense variant replaces arginine with proline at codon 2160 of the DSP protein. Computational prediction suggests that this variant may not impact protein structure and function (internally defined REVEL score threshold <= 0.5, PMID: 27666373). To our knowledge, functional studies have not been reported for this variant. This variant has not been reported in individuals affected with DSP-related disorders in the literature. This variant has been identified in 1/251390 chromosomes in the general population by the Genome Aggregation Database (gnomAD). The available evidence is insufficient to determine the role of this variant in disease conclusively. Therefore, this variant is classified as a Variant of Uncertain Significance.

This study involves interpretation of variants in research participants for the purpose of population health screening. Participant phenotype was not available at the time of variant classification. Additional details can be found in publication PMID: 35346344, PMCID: PMC8962531

NM_004415.4(DSP):c.6479G>C (p.Arg2160Pro)

Gene: DSP (desmoplakin; plus strand). Cytogenetic location: 6p24.3.
Variant type: single nucleotide variant.
Coding change: c.6479G>C on transcript NM_004415.4 (MANE Select); coding-DNA position 6479, G replaced by C.
Protein change: p.Arg2160Pro; replaces arginine 2160 with proline.
Molecular consequence: missense variant.
Genome position (GRCh38, 1-based): chr6:7,583,741, G>C. VCF-style: chr6-7583741-G-C. GRCh37 (hg19) VCF-style: chr6-7583974-G-C.
Other names: c.6479G>C (NM_004415.2); c.4682G>C, p.Arg1561Pro (NM_001008844.3); c.5150G>C, p.Arg1717Pro (NM_001319034.2); short protein forms R2160P, R1561P, R1717P.
Identifiers: ClinVar variation 1397995 (VCV001397995.16), dbSNP rs146642551, ClinGen allele CA362690879.